The following is an entry in ClinVar:

ClinVar aggregate classification (germline): Pathogenic (1 of 4 stars; one submission).

Submission:

Labcorp Genetics (formerly Invitae), Labcorp
Classification: Pathogenic. Last evaluated: 2022-09-28. Review status: criteria provided, single submitter. Criteria: Invitae Variant Classification Sherloc (09022015). Collection method: clinical testing. Allele origin: germline.
Comment: This variant is a gross deletion of the genomic region encompassing exon(s) 13-25 of the ELP1 gene. This deletion is out-of-frame, and is expected to create a premature termination codon and result in an absent or disrupted protein product. Loss-of-function variants in ELP1 are known to be pathogenic (PMID: 18303054, 24173031). This variant has not been reported in the literature in individuals affected with ELP1-related conditions. For these reasons, this variant has been classified as Pathogenic.

Literature cited by the submitters: PubMed 18303054; PubMed 24173031.

NC_000009.11:g.(?_111658756)_(111670704_?)del

Gene: ELP1 (elongator acetyltransferase complex subunit 1; minus strand). Cytogenetic location: 9q31.3.
Variant type: Deletion.
Identifiers: ClinVar variation 2424715 (VCV002424715.3).